The following is an entry in ClinVar:

NM_000153.4(GALC):c.606T>G (p.Asn202Lys)

Gene: GALC (galactosylceramidase; minus strand). Cytogenetic location: 14q31.3.
Variant type: single nucleotide variant.
Coding change: c.606T>G on transcript NM_000153.4 (MANE Select); coding-DNA position 606, T replaced by G.
Protein change: p.Asn202Lys; replaces asparagine 202 with lysine.
Molecular consequence: missense variant.
Genome position (GRCh38, 1-based): chr14:87,982,220, A>C on the plus strand (T>G on the coding strand, the complement: GALC is on the minus strand). VCF-style: chr14-87982220-A-C. GRCh37 (hg19) VCF-style: chr14-88448564-A-C.
Other names: c.537T>G, p.Asn179Lys (NM_001201401.2); c.528T>G, p.Asn176Lys (NM_001201402.2); short protein forms N176K, N179K, N202K.
Identifiers: ClinVar variation 2432021 (VCV002432021.4), dbSNP rs757920477, ClinGen allele CA7297309.

ClinVar aggregate classification (germline): Uncertain significance. Review status: criteria provided, multiple submitters, no conflicts (2 of 4 stars). 2 submissions from 2 submitters: Uncertain significance (2). Last evaluated 2025-06-08.

Conditions:
Galactosylceramide beta-galactosidase deficiency. Also called: Leukodystrophy, Globoid Cell; GALACTOCEREBROSIDASE DEFICIENCY; GALC DEFICIENCY; GLOBOID CELL LEUKOENCEPHALOPATHY; Krabbe Disease. Identifiers: Orphanet 487, MedGen C0023521, MONDO:0009499, OMIM 245200.

Allele frequency attached by ClinVar (database versions not stated): ExAC 0.00002.
gnomAD v4.1: 7 of 1,578,826 alleles (0.00044%); highest among the groups gnomAD compares: African/African-American, 0.0094%; no homozygotes.

Submissions (2):

Labcorp Genetics (formerly Invitae), Labcorp
Classification: Uncertain significance for Galactosylceramide beta-galactosidase deficiency. Last evaluated: 2025-06-08. Review status: criteria provided, single submitter. Criteria: Invitae Variant Classification Sherloc (09022015). Collection method: clinical testing. Allele origin: germline.
Comment: This sequence change replaces asparagine, which is neutral and polar, with lysine, which is basic and polar, at codon 202 of the GALC protein (p.Asn202Lys). This variant is present in population databases (rs757920477, gnomAD 0.02%). This variant has not been reported in the literature in individuals affected with GALC-related conditions. ClinVar contains an entry for this variant (Variation ID: 2432021). Invitae Evidence Modeling of protein sequence and biophysical properties (such as structural, functional, and spatial information, amino acid conservation, physicochemical variation, residue mobility, and thermodynamic stability) has been performed for this missense variant. However, the output from this modeling did not meet the statistical confidence thresholds required to predict the impact of this variant on GALC protein function. In summary, the available evidence is currently insufficient to determine the role of this variant in disease. Therefore, it has been classified as a Variant of Uncertain Significance.

Revvity Omics, Revvity
Classification: Uncertain significance. Last evaluated: 2019-10-25. Review status: criteria provided, single submitter. Criteria: ACMG Guidelines, 2015. Collection method: clinical testing. Allele origin: germline.